The following is an entry in ClinVar:

NM_182914.3(SYNE2):c.13826A>G (p.Asn4609Ser)

Gene: SYNE2 (spectrin repeat containing nuclear envelope protein 2; plus strand). Cytogenetic location: 14q23.2.
Variant type: single nucleotide variant.
Coding change: c.13826A>G on transcript NM_182914.3 (MANE Select); coding-DNA position 13826, A replaced by G.
Protein change: p.Asn4609Ser; replaces asparagine 4609 with serine.
Molecular consequence: missense variant.
Genome position (GRCh38, 1-based): chr14:64,126,716, A>G. VCF-style: chr14-64126716-A-G. GRCh37 (hg19) VCF-style: chr14-64593434-A-G.
Other names: c.13826A>G, p.Asn4609Ser (NM_015180.6); short protein forms N4609S.
Identifiers: ClinVar variation 2117676 (VCV002117676.4), dbSNP rs751525888, ClinGen allele CA389972473.

ClinVar aggregate classification (germline): Uncertain significance (1 of 4 stars; one submission).

Conditions:
Emery-Dreifuss muscular dystrophy 5, autosomal dominant (EDMD5). Also called: EMERY-DREIFUSS MUSCULAR DYSTROPHY 5. Identifiers: Orphanet 261, MedGen C2751805, MONDO:0013072, OMIM 612999.

gnomAD v4.1: 1 of 1,614,150 alleles (0.000062%); no homozygotes.

Submission:

Labcorp Genetics (formerly Invitae), Labcorp
Classification: Uncertain significance for Emery-Dreifuss muscular dystrophy 5, autosomal dominant. Last evaluated: 2023-07-25. Review status: criteria provided, single submitter. Criteria: Invitae Variant Classification Sherloc (09022015). Collection method: clinical testing. Allele origin: germline.
Comment: ClinVar contains an entry for this variant (Variation ID: 2117676). An algorithm developed to predict the effect of missense changes on protein structure and function (PolyPhen-2) suggests that this variant is likely to be tolerated. Algorithms developed to predict the effect of sequence changes on RNA splicing suggest that this variant may create or strengthen a splice site. In summary, the available evidence is currently insufficient to determine the role of this variant in disease. Therefore, it has been classified as a Variant of Uncertain Significance. This sequence change replaces asparagine, which is neutral and polar, with serine, which is neutral and polar, at codon 4609 of the SYNE2 protein (p.Asn4609Ser). This variant is not present in population databases (gnomAD no frequency). This variant has not been reported in the literature in individuals affected with SYNE2-related conditions.